The following is an entry in ClinVar:

NM_001367823.1(ARHGEF18):c.3580C>T (p.Arg1194Cys)

Gene: ARHGEF18 (Rho/Rac guanine nucleotide exchange factor 18; plus strand). Cytogenetic location: 19p13.2.
Variant type: single nucleotide variant.
Coding change: c.3580C>T on transcript NM_001367823.1 (MANE Select); coding-DNA position 3580, C replaced by T.
Protein change: p.Arg1194Cys; replaces arginine 1194 with cysteine.
Molecular consequence: missense variant.
Genome position (GRCh38, 1-based): chr19:7,468,924, C>T. VCF-style: chr19-7468924-C-T. GRCh37 (hg19) VCF-style: chr19-7533810-C-T.
Other names: c.3016C>T (NM_001130955.1); c.2854C>T, p.Arg952Cys (NM_001130955.2); c.2542C>T, p.Arg848Cys (NM_001367824.1, NM_015318.4); short protein forms R848C, R952C, R1194C.
Identifiers: ClinVar variation 814003 (VCV000814003.14), dbSNP rs749113504, ClinGen allele CA9137176.
Genomic context (GRCh38, chr19:7,468,924, plus strand): 5'-GGGCTGGAGGGCCCTCGTGTGAGCATGCTGCCATCCGGCGTGGGGCCAGAGTACGCAGAG[C>T]GCCCCGAGGTGGCTCGCCGGGACAGCGCCCCCACCGAGAACCGGCTGGCCAAGAGCGATG-3'
Protein context (NP_001354752.1, residues 1184-1204): PSGVGPEYAE[Arg1194Cys]PEVARRDSAP

ClinVar aggregate classification (germline): Uncertain significance. Review status: criteria provided, multiple submitters, no conflicts (2 of 4 stars). 5 submissions from 5 submitters: Uncertain significance (5). Last evaluated 2025-06-24.

Conditions:
Inborn genetic diseases. Identifiers: MedGen C0950123, MeSH D030342.
Retinitis pigmentosa 78 (RP78). Identifiers: MedGen C4479481, MONDO:0044314, OMIM 617433.

Allele frequency attached by ClinVar (database versions not stated): gnomAD exomes 0.00002 and 0.00005; ExAC 0.00003; gnomAD 0.00007 and 0.00009; TOPMed 0.00009.
gnomAD v4.1: 78 of 1,575,214 alleles (0.005%); highest among the groups gnomAD compares: African/African-American, 0.02%; 1 homozygote.

Submissions (5):

Ambry Genetics
Classification: Uncertain significance for Inborn genetic diseases. Last evaluated: 2025-06-24. Review status: criteria provided, single submitter. Criteria: Ambry Variant Classification Scheme 2023. Collection method: clinical testing. Allele origin: germline.

Blueprint Genetics
Classification: Uncertain significance. Last evaluated: 2024-08-26. Review status: criteria provided, single submitter. Criteria: ACMG Guidelines, 2015. Collection method: clinical testing. Allele origin: germline.

Labcorp Genetics (formerly Invitae), Labcorp
Classification: Uncertain significance. Last evaluated: 2022-06-20. Review status: criteria provided, single submitter. Criteria: Invitae Variant Classification Sherloc (09022015). Collection method: clinical testing. Allele origin: germline.
Comment: In summary, the available evidence is currently insufficient to determine the role of this variant in disease. Therefore, it has been classified as a Variant of Uncertain Significance. Algorithms developed to predict the effect of missense changes on protein structure and function (SIFT, PolyPhen-2, Align-GVGD) all suggest that this variant is likely to be disruptive. ClinVar contains an entry for this variant (Variation ID: 814003). This variant has not been reported in the literature in individuals affected with ARHGEF18-related conditions. The frequency data for this variant in the population databases is considered unreliable, as metrics indicate poor data quality at this position in the gnomAD database. This sequence change replaces arginine, which is basic and polar, with cysteine, which is neutral and slightly polar, at codon 1006 of the ARHGEF18 protein (p.Arg1006Cys).

Victorian Clinical Genetics Services, Murdoch Childrens Research Institute
Classification: Uncertain significance for Retinitis pigmentosa 78. Last evaluated: 2020-05-21. Review status: criteria provided, single submitter. Criteria: ACMG Guidelines, 2015. Collection method: clinical testing. Allele origin: germline. Inheritance: Autosomal recessive inheritance. Affected: yes.
Comment: A heterozygous missense variant was identified, NM_015318.3(ARHGEF18):c.2542C>T in exon 18 of the ARHGEF18 gene. This substitution is predicted to create a major amino acid change from an arginine to a cysteine at position 848 of the protein; NP_056133.2(ARHGEF18):p.(Arg848Cys). The arginine at this position has low conservation (100 vertebrates, UCSC), and is not situated in a known functional domain (NCBI, PDB). In silico software predicts this variant to be damaging (PolyPhen2, PROVEAN, MutationAssessor, FATHMM). The variant is present in the gnomAD population database at a global population frequency of 0.0024% (5 heterozygotes, 0 homozygotes) with an African sub-population frequency of 0.011%. This variant has not previously been reported in clinical cases. A different variant in the same codon resulting in a change to a histidine has been reported but with no classification (LOVD). Based on information available at the time of curation, this variant has been classified as a VUS.

Broad Center for Mendelian Genomics, Broad Institute of MIT and Harvard
Classification: Uncertain significance for Retinitis pigmentosa 78. Last evaluated: 2018-12-03. Review status: criteria provided, single submitter. Criteria: ACMG Guidelines, 2015. Collection method: research. Allele origin: germline. Inheritance: Autosomal recessive inheritance. Affected: yes.
Comment: The p.Arg1006Cys variant in ARHGEF18 has not been previously reported in individuals with retinitis pigmentosa but has been identified in 0.002426% (5/206118) of chromosomes by the Genome Aggregation Database (gnomAD; dbSNP rs749113504). Although this variant has been seen in the general population, its frequency is low enough to be consistent with a recessive carrier frequency. Computational prediction tools and conservation analyses suggest that this variant may not impact the protein, though this information is not predictive enough to rule out pathogenicity. In summary, the clinical significance of the p.Arg1006Cys variant is uncertain. ACMG/AMP Criteria applied: PM2, BP4 (Richards 2015).